The following is an entry in ClinVar:

NM_001127392.3(MYRF):c.185G>A (p.Gly62Glu)

Gene: MYRF (myelin regulatory factor; plus strand). Cytogenetic location: 11q12.2.
Variant type: single nucleotide variant.
Coding change: c.185G>A on transcript NM_001127392.3 (MANE Select); coding-DNA position 185, G replaced by A.
Protein change: p.Gly62Glu; replaces glycine 62 with glutamic acid.
Molecular consequence: missense variant.
Genome position (GRCh38, 1-based): chr11:61,766,008, G>A. VCF-style: chr11-61766008-G-A. GRCh37 (hg19) VCF-style: chr11-61533480-G-A.
Other names: c.158G>A, p.Gly53Glu (NM_013279.4); short protein forms G53E, G62E.
Identifiers: ClinVar variation 3352586 (VCV003352586.1).

ClinVar aggregate classification (germline): Uncertain significance (0 of 4 stars; one submission).

Conditions:
MYRF-related disorder. Also called: MYRF-related condition; MYRF-related disorders.

Submission:

PreventionGenetics, part of Exact Sciences
Classification: Uncertain significance for MYRF-related condition. Last evaluated: 2024-08-26. Review status: no assertion criteria provided. Collection method: clinical testing. Allele origin: germline.
Comment: The MYRF c.185G>A variant is predicted to result in the amino acid substitution p.Gly62Glu. To our knowledge, this variant has not been reported in the literature. This variant is reported in 0.0012% of alleles in individuals of European (Non-Finnish) descent in gnomAD. At this time, the clinical significance of this variant is uncertain due to the absence of conclusive functional and genetic evidence.